The following is an entry in ClinVar:

ClinVar aggregate classification (germline): Likely benign (0 of 4 stars; one submission).

Conditions:
TUB-related disorder. Also called: TUB-related condition.

Submission:

PreventionGenetics, part of Exact Sciences
Classification: Likely benign for TUB-related condition. Last evaluated: 2021-12-06. Review status: no assertion criteria provided. Collection method: clinical testing. Allele origin: germline.
Comment: This variant is classified as likely benign based on ACMG/AMP sequence variant interpretation guidelines (Richards et al. 2015 PMID: 25741868, with internal and published modifications).

NM_177972.3(TUB):c.1518G>A (p.Glu506=)

Genes: RIC3 (RIC3 acetylcholine receptor chaperone; minus strand), TUB (TUB bipartite transcription factor; plus strand). Cytogenetic location: 11p15.4.
Variant type: single nucleotide variant.
Coding change: c.1518G>A on transcript NM_177972.3 (MANE Select); coding-DNA position 1518, G replaced by A.
Protein change: p.Glu506=; no amino-acid change (glutamic acid 506 retained).
Molecular consequence: synonymous variant.
Genome position (GRCh38, 1-based): chr11:8,101,616, G>A. VCF-style: chr11-8101616-G-A. GRCh37 (hg19) VCF-style: chr11-8123163-G-A.
Other names: c.1683G>A, p.Glu561= (NM_003320.5).
Identifiers: ClinVar variation 3354737 (VCV003354737.1).
Genomic context (GRCh38, chr11:8,101,616, plus strand): 5'-GTGTGCACTGCAGGCCTTTGCCATTGCCCTGTCCAGCTTCGACAGCAAGCTGGCGTGCGA[G>A]TAGAGGCCTCTTCGTGCCCTTTGGGGTTGCCCAGCCTGGAGCGGAGCTTGCCTGCCTGCC-3'
Protein context (NP_813977.1, residues 496-506): LSSFDSKLAC[Glu506=]